The following is an entry in ClinVar:

ClinVar aggregate classification (germline): Uncertain significance (1 of 4 stars; one submission).

Submission:

Ambry Genetics
Classification: Uncertain significance. Last evaluated: 2024-03-16. Review status: criteria provided, single submitter. Criteria: Ambry Variant Classification Scheme 2023. Collection method: clinical testing. Allele origin: germline.
Comment: The p.E1574K variant (also known as c.4720G>A), located in coding exon 4 of the ALPK2 gene, results from a G to A substitution at nucleotide position 4720. The glutamic acid at codon 1574 is replaced by lysine, an amino acid with similar properties. This amino acid position is conserved. In addition, this alteration is predicted to be tolerated by in silico analysis. Based on the available evidence, the clinical significance of this alteration remains unclear.

NM_052947.4(ALPK2):c.4720G>A (p.Glu1574Lys)

Genes: ALPK2 (alpha kinase 2; minus strand), LOC126862764 (BRD4-independent group 4 enhancer GRCh37_chr18:56202574-56203773; plus strand). Cytogenetic location: 18q21.31.
Variant type: single nucleotide variant.
Coding change: c.4720G>A on transcript NM_052947.4 (MANE Select); coding-DNA position 4720, G replaced by A.
Protein change: p.Glu1574Lys; replaces glutamic acid 1574 with lysine.
Molecular consequence: missense variant.
Genome position (GRCh38, 1-based): chr18:58,535,467, C>T on the plus strand (G>A on the coding strand, the complement: ALPK2 is on the minus strand). VCF-style: chr18-58535467-C-T. GRCh37 (hg19) VCF-style: chr18-56202699-C-T.
Other names: short protein forms E1574K.
Identifiers: ClinVar variation 3289764 (VCV003289764.1).